The following is an entry in ClinVar:

NM_003809.3(TNFSF12):c.386C>A (p.Thr129Lys)

Genes: TNFSF12 (TNF superfamily member 12; plus strand), TNFSF12-TNFSF13 (TNFSF12-TNFSF13 readthrough; plus strand). Cytogenetic location: 17p13.1.
Variant type: single nucleotide variant.
Coding change: c.386C>A on transcript NM_003809.3 (MANE Select); coding-DNA position 386, C replaced by A.
Protein change: p.Thr129Lys; replaces threonine 129 with lysine.
Molecular consequence: missense variant. On other transcripts: non-coding transcript variant (1).
Genome position (GRCh38, 1-based): chr17:7,556,790, C>A. VCF-style: chr17-7556790-C-A. GRCh37 (hg19) VCF-style: chr17-7460107-C-A.
Other names: c.386C>A, p.Thr129Lys (NM_172089.4); short protein forms T129K.
Identifiers: ClinVar variation 1002020 (VCV001002020.9), dbSNP rs746536507, ClinGen allele CA8350822.

ClinVar aggregate classification (germline): Uncertain significance (1 of 4 stars; one submission).

Conditions:
Common variable immunodeficiency (CVID). Also called: Common variable hypogamma-globulinemia; Common variable agammaglobulinemia. Identifiers: Orphanet 1572, MedGen C0009447, MONDO:0015517.

Allele frequency attached by ClinVar (database versions not stated): gnomAD exomes below 0.00001; ExAC 0.00001; gnomAD 0.00004; TOPMed 0.00006.

Submission:

Labcorp Genetics (formerly Invitae), Labcorp
Classification: Uncertain significance for Common variable immunodeficiency. Last evaluated: 2020-03-23. Review status: criteria provided, single submitter. Criteria: Invitae Variant Classification Sherloc (09022015). Collection method: clinical testing. Allele origin: germline.
Comment: In summary, the available evidence is currently insufficient to determine the role of this variant in disease. Therefore, it has been classified as a Variant of Uncertain Significance. This sequence change replaces threonine with lysine at codon 129 of the TNFSF12 protein (p.Thr129Lys). The threonine residue is moderately conserved and there is a moderate physicochemical difference between threonine and lysine. This variant is present in population databases (rs746536507, ExAC 0.01%). This variant has not been reported in the literature in individuals with TNFSF12-related conditions. Algorithms developed to predict the effect of missense changes on protein structure and function are either unavailable or do not agree on the potential impact of this missense change (SIFT: "Deleterious"; PolyPhen-2: "Probably Damaging"; Align-GVGD: "Class C0").